The following is an entry in ClinVar:

NM_002334.4(LRP4):c.129C>G (p.Thr43=)

Gene: LRP4 (LDL receptor related protein 4; minus strand). Cytogenetic location: 11p11.2.
Variant type: single nucleotide variant.
Coding change: c.129C>G on transcript NM_002334.4 (MANE Select); coding-DNA position 129, C replaced by G.
Protein change: p.Thr43=; no amino-acid change (threonine 43 retained).
Molecular consequence: synonymous variant.
Genome position (GRCh38, 1-based): chr11:46,902,853, G>C on the plus strand (C>G on the coding strand, the complement: LRP4 is on the minus strand). VCF-style: chr11-46902853-G-C. GRCh37 (hg19) VCF-style: chr11-46924404-G-C.
Other names: p.Thr43=.
Identifiers: ClinVar variation 304905 (VCV000304905.21), dbSNP rs61742974, ClinGen allele CA5970602.

ClinVar aggregate classification (germline): Benign/Likely benign. Review status: criteria provided, multiple submitters, no conflicts (2 of 4 stars). 4 submissions from 4 submitters: Benign (3); Likely benign (1). Last evaluated 2026-02-03.

Conditions:
Cenani-Lenz syndactyly syndrome. Also called: SYNDACTYLY, TYPE VII; CENANI SYNDACTYLISM. Identifiers: Orphanet 3258, MedGen C1859309, MONDO:0008931, OMIM 212780.
Sclerosteosis 2 (SOST2). Identifiers: Orphanet 3152, MedGen C3280402, MONDO:0013679, OMIM 614305.
Congenital myasthenic syndrome 17. Identifiers: Orphanet 590, MedGen C4225377, MONDO:0014578, OMIM 616304.

Allele frequency attached by ClinVar (database versions not stated): gnomAD exomes 0.00417 and 0.01170; ExAC 0.01424; gnomAD 0.04439; ESP Exome Variant Server 0.05023; TOPMed 0.05048; 1000 Genomes Project 0.05391; 1000 Genomes Project 30x 0.05793.
gnomAD v4.1: 13,008 of 1,614,076 alleles (0.81%); highest among the groups gnomAD compares: African/African-American, 15%; 905 homozygotes.

Submissions (8):

Labcorp Genetics (formerly Invitae), Labcorp
Classification: Benign for Cenani-Lenz syndactyly syndrome; Sclerosteosis 2; Congenital myasthenic syndrome 17. Last evaluated: 2026-02-03. Review status: criteria provided, single submitter. Criteria: Invitae Variant Classification Sherloc (09022015). Collection method: clinical testing. Allele origin: germline.

Mayo Clinic Laboratories, Mayo Clinic
Classification: Benign. Last evaluated: 2023-11-02. Review status: criteria provided, single submitter. Criteria: ACMG Guidelines, 2015. Collection method: clinical testing. Allele origin: germline. Observed: 18 variant alleles.
Comment: BA1, BS2, BP4

GeneDx
Classification: Benign. Last evaluated: 2018-07-27. Review status: criteria provided, single submitter. Criteria: GeneDx Variant Classification Process June 2021. Collection method: clinical testing. Allele origin: germline. Affected: yes.

Breakthrough Genomics
Classification: Likely benign. Review status: criteria provided, single submitter. Criteria: ACMG Guidelines, 2015. Collection method: not provided. Allele origin: germline. Inheritance: Autosomal recessive inheritance. Affected: yes.

Dr. Peter K. Rogan Lab, Western University
No classification provided (evidence only). Condition: Cervical cancer. Review status: no classification provided. Collection method: in vitro. Allele origin: not applicable. Functional consequence: retained intron. Not counted in ClinVar's aggregate classification.

Dr. Peter K. Rogan Lab, Western University
No classification provided (evidence only). Condition: Sarcoma. Review status: no classification provided. Collection method: in vitro. Allele origin: not applicable. Functional consequence: skipped exon. Not counted in ClinVar's aggregate classification.

Dr. Peter K. Rogan Lab, Western University
No classification provided (evidence only). Condition: Ovarian serous cystadenocarcinoma. Review status: no classification provided. Collection method: in vitro. Allele origin: not applicable. Functional consequence: skipped exon. Not counted in ClinVar's aggregate classification.

Dr. Peter K. Rogan Lab, Western University
No classification provided (evidence only). Condition: Malignant tumor of esophagus. Review status: no classification provided. Collection method: in vitro. Allele origin: not applicable. Functional consequence: skipped exon. Not counted in ClinVar's aggregate classification.